The following is an entry in ClinVar:

NM_024649.5(BBS1):c.1253C>T (p.Pro418Leu)

Genes: BBS1 (Bardet-Biedl syndrome 1; plus strand), ZDHHC24 (zDHHC palmitoyltransferase 24; minus strand). Cytogenetic location: 11q13.2.
Variant type: single nucleotide variant.
Coding change: c.1253C>T on transcript NM_024649.5 (MANE Select); coding-DNA position 1253, C replaced by T.
Protein change: p.Pro418Leu; replaces proline 418 with leucine.
Molecular consequence: missense variant. On other transcripts: intron variant (1).
Genome position (GRCh38, 1-based): chr11:66,526,721, C>T. VCF-style: chr11-66526721-C-T. GRCh37 (hg19) VCF-style: chr11-66294192-C-T.
Other names: c.*21+215G>A (NM_001348571.2); short protein forms P418L.
Identifiers: ClinVar variation 1436841 (VCV001436841.7), dbSNP rs1410252393, ClinGen allele CA381422674.

ClinVar aggregate classification (germline): Uncertain significance. Review status: criteria provided, single submitter (1 of 4 stars). 2 submissions from 2 submitters: Uncertain significance (1). 1 of the submissions does not count toward it. Last evaluated 2021-08-27.

Conditions:
BBS1-related disorder. Also called: BBS1-related condition.
Bardet-Biedl syndrome (BBS). Identifiers: Orphanet 110, MedGen C0752166, MONDO:0015229.

Allele frequency attached by ClinVar (database versions not stated): gnomAD 0.00001; TOPMed 0.00001; gnomAD exomes 0.00002.
gnomAD v4.1: 9 of 1,614,078 alleles (0.00056%); highest among the groups gnomAD compares: Admixed American, 0.01%; no homozygotes.

Submissions (2):

Labcorp Genetics (formerly Invitae), Labcorp
Classification: Uncertain significance for Bardet-Biedl syndrome. Last evaluated: 2021-08-27. Review status: criteria provided, single submitter. Criteria: Invitae Variant Classification Sherloc (09022015). Collection method: clinical testing. Allele origin: germline.
Comment: This sequence change replaces proline with leucine at codon 418 of the BBS1 protein (p.Pro418Leu). The proline residue is highly conserved and there is a moderate physicochemical difference between proline and leucine. This variant is not present in population databases (ExAC no frequency). This variant has not been reported in the literature in individuals affected with BBS1-related conditions. Algorithms developed to predict the effect of missense changes on protein structure and function are either unavailable or do not agree on the potential impact of this missense change (SIFT: "Deleterious"; PolyPhen-2: "Benign"; Align-GVGD: "Class C35"). In summary, the available evidence is currently insufficient to determine the role of this variant in disease. Therefore, it has been classified as a Variant of Uncertain Significance.

PreventionGenetics, part of Exact Sciences
Classification: Uncertain significance for BBS1-related condition. Last evaluated: 2024-09-13. Review status: no assertion criteria provided. Collection method: clinical testing. Allele origin: germline. Not counted in ClinVar's aggregate classification.
Comment: The BBS1 c.1253C>T variant is predicted to result in the amino acid substitution p.Pro418Leu. This variant has been reported in an individual with syndromic retinal disease (Table S7, Perea-Romero et al. 2021. PubMed ID: 34448047). This variant is reported in 0.012% of alleles in individuals of Latino descent in gnomAD. At this time, the clinical significance of this variant is uncertain due to the absence of conclusive functional and genetic evidence.